The following is an entry in ClinVar:

ClinVar aggregate classification (germline): Benign. Review status: criteria provided, multiple submitters, no conflicts (2 of 4 stars). 2 submissions from 2 submitters: Benign (2). Last evaluated 2018-12-10.

Allele frequency attached by ClinVar (database versions not stated): gnomAD exomes 0.00060 and 0.00150; ExAC 0.00172; 1000 Genomes Project 0.00539; 1000 Genomes Project 30x 0.00593; gnomAD 0.00608 and 0.00656; ESP Exome Variant Server 0.00638; TOPMed 0.00657.

Submissions (2):

GeneDx
Classification: Benign. Last evaluated: 2018-12-10. Review status: criteria provided, single submitter. Criteria: GeneDx Variant Classification Process June 2021. Collection method: clinical testing. Allele origin: germline. Affected: yes.
Comment: This variant is associated with the following publications: (PMID: 20640478, 24636949, 19027848, 20981092)

Breakthrough Genomics
Classification: Benign. Review status: criteria provided, single submitter. Criteria: ACMG Guidelines, 2015. Collection method: not provided. Allele origin: germline. Inheritance: Unknown mechanism. Affected: yes.

NM_001080779.2(MYO1C):c.1244C>T (p.Thr415Met)

Gene: MYO1C (myosin IC; minus strand). Cytogenetic location: 17p13.3.
Variant type: single nucleotide variant.
Coding change: c.1244C>T on transcript NM_001080779.2 (MANE Select); coding-DNA position 1244, C replaced by T.
Protein change: p.Thr415Met; replaces threonine 415 with methionine.
Molecular consequence: missense variant.
Genome position (GRCh38, 1-based): chr17:1,478,461, G>A on the plus strand (C>T on the coding strand, the complement: MYO1C is on the minus strand). VCF-style: chr17-1478461-G-A. GRCh37 (hg19) VCF-style: chr17-1381755-G-A.
Other names: c.1187C>T, p.Thr396Met (NM_001080950.2); c.1172C>T, p.Thr391Met (NM_001363855.1); c.1139C>T, p.Thr380Met (NM_033375.5); short protein forms T380M, T391M, T396M, T415M.
Identifiers: ClinVar variation 1265392 (VCV001265392.3), dbSNP rs61750783, ClinGen allele CA8267616.